The following is an entry in ClinVar:

ClinVar aggregate classification (germline): Uncertain significance (1 of 4 stars; one submission).

Conditions:
Kleefstra syndrome 1 (KLEFS1). Identifiers: Orphanet 261494, MedGen C0795833, MONDO:0027407, OMIM 610253.

gnomAD v4.1: 15 of 1,589,158 alleles (0.00094%); highest among the groups gnomAD compares: Non-Finnish European, 0.0013%; no homozygotes.

Submission:

Labcorp Genetics (formerly Invitae), Labcorp
Classification: Uncertain significance for Kleefstra syndrome 1. Last evaluated: 2025-05-22. Review status: criteria provided, single submitter. Criteria: Invitae Variant Classification Sherloc (09022015). Collection method: clinical testing. Allele origin: germline.
Comment: This sequence change replaces alanine, which is neutral and non-polar, with glutamic acid, which is acidic and polar, at codon 39 of the EHMT1 protein (p.Ala39Glu). This variant is not present in population databases (gnomAD no frequency). This variant has not been reported in the literature in individuals affected with EHMT1-related conditions. An algorithm developed to predict the effect of missense changes on protein structure and function (PolyPhen-2) suggests that this variant is likely to be tolerated. In summary, the available evidence is currently insufficient to determine the role of this variant in disease. Therefore, it has been classified as a Variant of Uncertain Significance.

NM_024757.5(EHMT1):c.116C>A (p.Ala39Glu)

Gene: EHMT1 (euchromatic histone lysine methyltransferase 1; plus strand). Cytogenetic location: 9q34.3.
Variant type: single nucleotide variant.
Coding change: c.116C>A on transcript NM_024757.5 (MANE Select); coding-DNA position 116, C replaced by A.
Protein change: p.Ala39Glu; replaces alanine 39 with glutamic acid.
Molecular consequence: missense variant.
Genome position (GRCh38, 1-based): chr9:137,716,656, C>A. VCF-style: chr9-137716656-C-A. GRCh37 (hg19) VCF-style: chr9-140611108-C-A.
Other names: c.116C>A, p.Ala39Glu (NM_001145527.2, NM_001354263.2, NM_001354611.2); c.23C>A, p.Ala8Glu (NM_001354259.2, NM_001354612.2); short protein forms A39E, A8E.
Identifiers: ClinVar variation 4753469 (VCV004753469.1).